The following is an entry in ClinVar:

ClinVar aggregate classification (germline): Likely benign. Review status: criteria provided, multiple submitters, no conflicts (2 of 4 stars). 3 submissions from 3 submitters: Likely benign (2). 1 of the submissions does not count toward it. Last evaluated 2025-10-09.

Conditions:
CRTAP-related disorder. Also called: CRTAP-related condition.
Osteogenesis imperfecta type 7 (OI7). Also called: OI type 7; OI type VII; OSTEOGENESIS IMPERFECTA, TYPE IIB; Osteogenesis imperfecta type 2B; OI type 2B; Osteogenesis imperfecta, perinatal lethal autosomal recessive. Identifiers: MedGen C1853162, MONDO:0012536, OMIM 610682.

Allele frequency attached by ClinVar (database versions not stated): gnomAD exomes 0.00001; TOPMed 0.00001; ExAC 0.00002.
gnomAD v4.1: 9 of 1,610,772 alleles (0.00056%); highest among the groups gnomAD compares: Non-Finnish European, 0.00076%; no homozygotes.

Submissions (3):

Labcorp Genetics (formerly Invitae), Labcorp
Classification: Likely benign for Osteogenesis imperfecta type 7. Last evaluated: 2025-10-09. Review status: criteria provided, single submitter. Criteria: Invitae Variant Classification Sherloc (09022015). Collection method: clinical testing. Allele origin: germline.

Blueprint Genetics
Classification: Likely benign. Last evaluated: 2024-03-26. Review status: criteria provided, single submitter. Criteria: ACMG Guidelines, 2015. Collection method: clinical testing. Allele origin: germline.

PreventionGenetics, part of Exact Sciences
Classification: Likely benign for CRTAP-related condition. Last evaluated: 2023-03-08. Review status: no assertion criteria provided. Collection method: clinical testing. Allele origin: germline. Not counted in ClinVar's aggregate classification.
Comment: This variant is classified as likely benign based on ACMG/AMP sequence variant interpretation guidelines (Richards et al. 2015 PMID: 25741868, with internal and published modifications).

NM_006371.5(CRTAP):c.609C>G (p.Thr203=)

Gene: CRTAP (cartilage associated protein; plus strand). Cytogenetic location: 3p22.3.
Variant type: single nucleotide variant.
Coding change: c.609C>G on transcript NM_006371.5 (MANE Select); coding-DNA position 609, C replaced by G.
Protein change: p.Thr203=; no amino-acid change (threonine 203 retained).
Molecular consequence: synonymous variant.
Genome position (GRCh38, 1-based): chr3:33,120,481, C>G. VCF-style: chr3-33120481-C-G. GRCh37 (hg19) VCF-style: chr3-33161973-C-G.
Identifiers: ClinVar variation 752372 (VCV000752372.11), dbSNP rs778959807, ClinGen allele CA2300321.